The following is an entry in ClinVar:

ClinVar aggregate classification (germline): Uncertain significance (1 of 4 stars; one submission).

Conditions:
Gorlin syndrome. Also called: Nevoid Basal Cell Carcinoma Syndrome; Basal cell nevus syndrome. Identifiers: Orphanet 377, MedGen C0004779, MONDO:0007187.
Medulloblastoma (MDB). Also called: Medulloblastoma, somatic; MEDULLOBLASTOMA PREDISPOSITION SYNDROME. Identifiers: Orphanet 616, MedGen C0025149, MeSH D008527, MONDO:0007959, OMIM 155255, HP:0002885.

gnomAD v4.1: 1 of 1,614,028 alleles (0.000062%); highest among the groups gnomAD compares: East Asian, 0.0022%; no homozygotes.

Submission:

Labcorp Genetics (formerly Invitae), Labcorp
Classification: Uncertain significance for Gorlin syndrome; Medulloblastoma. Last evaluated: 2025-09-16. Review status: criteria provided, single submitter. Criteria: Invitae Variant Classification Sherloc (09022015). Collection method: clinical testing. Allele origin: germline.
Comment: This sequence change replaces tyrosine, which is neutral and polar, with cysteine, which is neutral and slightly polar, at codon 60 of the SUFU protein (p.Tyr60Cys). This variant is not present in population databases (gnomAD no frequency). This variant has not been reported in the literature in individuals affected with SUFU-related conditions. Invitae Evidence Modeling of protein sequence and biophysical properties (such as structural, functional, and spatial information, amino acid conservation, physicochemical variation, residue mobility, and thermodynamic stability) indicates that this missense variant is not expected to disrupt SUFU protein function with a negative predictive value of 80%. In summary, the available evidence is currently insufficient to determine the role of this variant in disease. Therefore, it has been classified as a Variant of Uncertain Significance.

NM_016169.4(SUFU):c.179A>G (p.Tyr60Cys)

Gene: SUFU (SUFU negative regulator of hedgehog signaling; plus strand). Cytogenetic location: 10q24.32.
Variant type: single nucleotide variant.
Coding change: c.179A>G on transcript NM_016169.4 (MANE Select); coding-DNA position 179, A replaced by G.
Protein change: p.Tyr60Cys; replaces tyrosine 60 with cysteine.
Molecular consequence: missense variant.
Genome position (GRCh38, 1-based): chr10:102,504,331, A>G. VCF-style: chr10-102504331-A-G. GRCh37 (hg19) VCF-style: chr10-104264088-A-G.
Other names: c.179A>G, p.Tyr60Cys (NM_001178133.2); short protein forms Y60C.
Identifiers: ClinVar variation 4792366 (VCV004792366.1).